The following is an entry in ClinVar:

ClinVar aggregate classification (germline): Uncertain significance. Review status: criteria provided, multiple submitters, no conflicts (2 of 4 stars). 2 submissions from 2 submitters: Uncertain significance (2). Last evaluated 2025-11-21.

Conditions:
Arrhythmogenic right ventricular dysplasia 8 (ARVD8). Also called: ARRHYTHMOGENIC RIGHT VENTRICULAR DYSPLASIA, FAMILIAL, 8; ARRHYTHMOGENIC RIGHT VENTRICULAR CARDIOMYOPATHY 8; Arrhythmogenic Right Ventricular Dysplasia/Cardiomyopathy 8. Identifiers: MedGen C1843896, MONDO:0011831, OMIM 607450.
Arrhythmogenic cardiomyopathy with wooly hair and keratoderma. Also called: PALMOPLANTAR KERATODERMA WITH LEFT VENTRICULAR CARDIOMYOPATHY AND WOOLLY HAIR; Carvajal syndrome; Dilated cardiomyopathy with woolly hair and keratoderma; Arrhythmogenic cardiomyopathy with woolly hair and keratoderma. Identifiers: Orphanet 65282, MedGen C1854063, MONDO:0011581, OMIM 605676.

gnomAD v4.1: 2 of 1,583,258 alleles (0.00013%); highest among the groups gnomAD compares: Non-Finnish European, 0.000086%; no homozygotes.

Submissions (2):

Labcorp Genetics (formerly Invitae), Labcorp
Classification: Uncertain significance for Arrhythmogenic cardiomyopathy with wooly hair and keratoderma; Arrhythmogenic right ventricular dysplasia 8. Last evaluated: 2025-11-21. Review status: criteria provided, single submitter. Criteria: Invitae Variant Classification Sherloc (09022015). Collection method: clinical testing. Allele origin: germline.
Comment: This sequence change replaces glycine, which is neutral and non-polar, with aspartic acid, which is acidic and polar, at codon 36 of the DSP protein (p.Gly36Asp). This variant is not present in population databases (gnomAD no frequency). This variant has not been reported in the literature in individuals affected with DSP-related conditions. ClinVar contains an entry for this variant (Variation ID: 3075155). An algorithm developed to predict the effect of missense changes on protein structure and function (PolyPhen-2) suggests that this variant is likely to be tolerated. In summary, the available evidence is currently insufficient to determine the role of this variant in disease. Therefore, it has been classified as a Variant of Uncertain Significance.

All of Us Research Program, National Institutes of Health
Classification: Uncertain significance for Arrhythmogenic cardiomyopathy with wooly hair and keratoderma. Last evaluated: 2023-12-18. Review status: criteria provided, single submitter. Criteria: ACMG Guidelines, 2015. Collection method: clinical testing. Allele origin: germline. Inheritance: Autosomal dominant inheritance. Observed: 1 variant allele, 1 heterozygote.
Comment: This missense variant replaces glycine with aspartic acid at codon 36 of the DSP protein. Computational prediction suggests that this variant may not impact protein structure and function (internally defined REVEL score threshold <= 0.5, PMID: 27666373). To our knowledge, functional studies have not been reported for this variant. This variant has not been reported in individuals affected with DSP-related disorders in the literature. This variant has not been identified in the general population by the Genome Aggregation Database (gnomAD). The available evidence is insufficient to determine the role of this variant in disease conclusively. Therefore, this variant is classified as a Variant of Uncertain Significance.

This study involves interpretation of variants in research participants for the purpose of population health screening. Participant phenotype was not available at the time of variant classification. Additional details can be found in publication PMID: 35346344, PMCID: PMC8962531

NM_004415.4(DSP):c.107G>A (p.Gly36Asp)

Genes: DSP-AS1 (DSP antisense RNA 1; minus strand), DSP (desmoplakin; plus strand). Cytogenetic location: 6p24.3.
Variant type: single nucleotide variant.
Coding change: c.107G>A on transcript NM_004415.4 (MANE Select); coding-DNA position 107, G replaced by A.
Protein change: p.Gly36Asp; replaces glycine 36 with aspartic acid.
Molecular consequence: missense variant.
Genome position (GRCh38, 1-based): chr6:7,542,022, G>A. VCF-style: chr6-7542022-G-A. GRCh37 (hg19) VCF-style: chr6-7542255-G-A.
Other names: c.107G>A, p.Gly36Asp (NM_001008844.3, NM_001319034.2, NM_001406591.1); short protein forms G36D.
Identifiers: ClinVar variation 3075155 (VCV003075155.2), dbSNP rs778506459, ClinGen allele CA362675839.